The following is an entry in ClinVar:

ClinVar aggregate classification (germline): Pathogenic (1 of 4 stars; one submission).

Conditions:
Ellis-van Creveld syndrome (EVC). Also called: Chondroectodermal dysplasia; MESOECTODERMAL DYSPLASIA; EVC-Related Ellis-van Creveld Syndrome; EVC2-Related Ellis-van Creveld Syndrome. Identifiers: Orphanet 289, MedGen C0013903, MONDO:0009162, OMIM 225500.
Curry-Hall syndrome (WAD). Also called: WEYERS ACRODENTAL DYSOSTOSIS. Identifiers: Orphanet 952, MedGen C0457013, MONDO:0008673, OMIM 193530.

Submission:

Labcorp Genetics (formerly Invitae), Labcorp
Classification: Pathogenic for Curry-Hall syndrome; Ellis-van Creveld syndrome. Last evaluated: 2021-03-27. Review status: criteria provided, single submitter. Criteria: Invitae Variant Classification Sherloc (09022015). Collection method: clinical testing. Allele origin: germline.
Comment: For these reasons, this variant has been classified as Pathogenic. This variant has not been reported in the literature in individuals with EVC2-related conditions. This variant is a gross deletion of the genomic region encompassing exon(s) 3 of the EVC2 gene. This deletion is out-of-frame, and is expected to create a premature translational stop signal and result in an absent or disrupted protein product. Loss-of-function variants in EVC2 are known to be pathogenic (PMID: 17024374, 19810119, 19876929).

Literature cited by the submitters: PubMed 17024374; PubMed 19810119; PubMed 19876929.

NC_000004.11:g.(?_5696052)_(5696238_?)del

Gene: EVC2 (EvC ciliary complex subunit 2; minus strand). Cytogenetic location: 4p16.2.
Variant type: Deletion.
Identifiers: ClinVar variation 1460155 (VCV001460155.7).